The following is an entry in ClinVar:

ClinVar aggregate classification (germline): Likely benign. Review status: criteria provided, multiple submitters, no conflicts (2 of 4 stars). 2 submissions from 2 submitters: Likely benign (2). Last evaluated 2026-09-01.

gnomAD v4.1: 1,759 of 1,609,094 alleles (0.11%); highest among the groups gnomAD compares: Non-Finnish European, 0.13%; 2 homozygotes.

Submissions (2):

CeGaT Center for Human Genetics Tuebingen
Classification: Likely benign. Last evaluated: 2026-09-01. Review status: criteria provided, single submitter. Criteria: CeGaT Center For Human Genetics Tuebingen Variant Classification Criteria Version 2. Collection method: clinical testing. Allele origin: germline. Affected: yes. Observed: 1 variant allele.
Comment: LRP1: BP4

Blueprint Genetics
Classification: Likely benign. Last evaluated: 2024-11-08. Review status: criteria provided, single submitter. Criteria: ACMG Guidelines, 2015. Collection method: clinical testing. Allele origin: germline.

NM_002332.3(LRP1):c.11590+6G>A

Gene: LRP1 (LDL receptor related protein 1; plus strand). Cytogenetic location: 12q13.3.
Variant type: single nucleotide variant.
Coding change: c.11590+6G>A on transcript NM_002332.3 (MANE Select); 6 bases into the intron after coding-DNA position 11590, G replaced by A.
Molecular consequence: intron variant.
Genome position (GRCh38, 1-based): chr12:57,205,683, G>A. VCF-style: chr12-57205683-G-A. GRCh37 (hg19) VCF-style: chr12-57599466-G-A.
Identifiers: ClinVar variation 4917368 (VCV004917368.2).